The following is an entry in ClinVar:

ClinVar aggregate classification (germline): Conflicting classifications of pathogenicity. Review status: criteria provided, conflicting classifications (1 of 4 stars). 2 submissions from 2 submitters: Uncertain significance (1); Likely benign (1). Last evaluated 2024-07-30.

Conditions:
Inborn genetic diseases. Identifiers: MedGen C0950123, MeSH D030342.

Allele frequency attached by ClinVar (database versions not stated): gnomAD exomes 0.00001; ExAC 0.00002; 1000 Genomes Project 0.00020; 1000 Genomes Project 30x 0.00031.
gnomAD v4.1: 19 of 1,614,018 alleles (0.0012%); highest among the groups gnomAD compares: African/African-American, 0.024%; no homozygotes.

Submissions (2):

Ambry Genetics
Classification: Likely benign for Inborn genetic diseases. Last evaluated: 2024-07-30. Review status: criteria provided, single submitter. Criteria: Ambry Variant Classification Scheme 2023. Collection method: clinical testing. Allele origin: germline.

Labcorp Genetics (formerly Invitae), Labcorp
Classification: Uncertain significance. Last evaluated: 2023-02-03. Review status: criteria provided, single submitter. Criteria: Invitae Variant Classification Sherloc (09022015). Collection method: clinical testing. Allele origin: germline.
Comment: This sequence change replaces alanine, which is neutral and non-polar, with glycine, which is neutral and non-polar, at codon 826 of the SIN3A protein (p.Ala826Gly). The frequency data for this variant in the population databases is considered unreliable, as metrics indicate poor data quality at this position in the gnomAD database. This variant has not been reported in the literature in individuals affected with SIN3A-related conditions. Advanced modeling of protein sequence and biophysical properties (such as structural, functional, and spatial information, amino acid conservation, physicochemical variation, residue mobility, and thermodynamic stability) performed at Invitae indicates that this missense variant is not expected to disrupt SIN3A protein function. In summary, the available evidence is currently insufficient to determine the role of this variant in disease. Therefore, it has been classified as a Variant of Uncertain Significance.

NM_001145358.2(SIN3A):c.2477C>G (p.Ala826Gly)

Gene: SIN3A (SIN3 transcription regulator family member A; minus strand). Cytogenetic location: 15q24.2.
Variant type: single nucleotide variant.
Coding change: c.2477C>G on transcript NM_001145358.2 (MANE Select); coding-DNA position 2477, C replaced by G.
Protein change: p.Ala826Gly; replaces alanine 826 with glycine.
Molecular consequence: missense variant.
Genome position (GRCh38, 1-based): chr15:75,392,616, G>C on the plus strand (C>G on the coding strand, the complement: SIN3A is on the minus strand). VCF-style: chr15-75392616-G-C. GRCh37 (hg19) VCF-style: chr15-75684957-G-C.
Other names: c.2477C>G, p.Ala826Gly (NM_001145357.2, NM_015477.3); c.2477C>G (NM_001145358.1); short protein forms A826G.
Identifiers: ClinVar variation 2961168 (VCV002961168.4), dbSNP rs551685122, ClinGen allele CA7667449.